The following is an entry in ClinVar:

NM_000543.5(SMPD1):c.1264-5A>G

Gene: SMPD1 (sphingomyelin phosphodiesterase 1; plus strand). Cytogenetic location: 11p15.4.
Variant type: single nucleotide variant.
Coding change: c.1264-5A>G on transcript NM_000543.5 (MANE Select); 5 bases into the intron before coding-DNA position 1264, A replaced by G.
Molecular consequence: intron variant.
Genome position (GRCh38, 1-based): chr11:6,393,612, A>G. VCF-style: chr11-6393612-A-G. GRCh37 (hg19) VCF-style: chr11-6414842-A-G.
Other names: c.1264-5A>G (NM_000543.4, NM_001318087.2); c.343-5A>G (NM_001318088.2); c.1132-5A>G (NM_001365135.2); c.1261-5A>G (NM_001007593.3).
Identifiers: ClinVar variation 1162167 (VCV001162167.10), dbSNP rs538875655, ClinGen allele CA217301941.
Genomic context (GRCh38, chr11:6,393,612, plus strand): 5'-TTCTCTAGCCAGGGCTGCCTGGACCCCTGGATGCCCTGATTACCATCCTTAATTCTCCCT[A>G]CTAGGTGCATATAATTGGCCACATTCCCCCAGGGCACTGTCTGAAGAGCTGGAGCTGGAA-3'

ClinVar aggregate classification (germline): Conflicting classifications of pathogenicity. Review status: criteria provided, conflicting classifications (1 of 4 stars). 2 submissions from 2 submitters: Uncertain significance (1); Likely benign (1). Last evaluated 2024-01-04.

Conditions:
Inborn genetic diseases. Identifiers: MedGen C0950123, MeSH D030342.
Niemann-Pick disease, type A. Also called: SPHINGOMYELIN LIPIDOSIS; SPHINGOMYELINASE DEFICIENCY; Infantile Neurovisceral ASMD (Niemann-Pick Disease Type A; NPD-A). Identifiers: Orphanet 77292, MedGen C0268242, MONDO:0009756, OMIM 257200. Disease mechanism: loss of function.
Niemann-Pick disease, type B. Also called: Chronic Visceral ASMD (Niemann-Pick Disease Type B; NPD-B). Identifiers: Orphanet 77293, MedGen C0268243, MONDO:0011871, OMIM 607616. Disease mechanism: loss of function.

Allele frequency attached by ClinVar (database versions not stated): gnomAD exomes below 0.00001.
gnomAD v4.1: 2 of 1,609,556 alleles (0.00012%); highest among the groups gnomAD compares: Non-Finnish European, 0.00017%; no homozygotes.

Submissions (2):

Labcorp Genetics (formerly Invitae), Labcorp
Classification: Likely benign for Niemann-Pick disease, type B; Niemann-Pick disease, type A. Last evaluated: 2024-01-04. Review status: criteria provided, single submitter. Criteria: Invitae Variant Classification Sherloc (09022015). Collection method: clinical testing. Allele origin: germline.

Ambry Genetics
Classification: Uncertain significance for Inborn genetic diseases. Last evaluated: 2021-01-12. Review status: criteria provided, single submitter. Criteria: Ambry Variant Classification Scheme 2023. Collection method: clinical testing. Allele origin: germline.
Comment: The c.1264-5A>G intronic alteration consists of a A to G substitution 5 nucleotides before exon 4 (coding exon 4) of the SMPD1 gene. In silico splice site analysis predicts that this alteration will not have any significant effect on splicing. Based on insufficient or conflicting evidence, the clinical significance of this alteration remains unclear.